The following is an entry in ClinVar:

NM_213599.3(ANO5):c.312T>G (p.Phe104Leu)

Gene: ANO5 (anoctamin 5; plus strand). Cytogenetic location: 11p14.3.
Variant type: single nucleotide variant.
Coding change: c.312T>G on transcript NM_213599.3 (MANE Select); coding-DNA position 312, T replaced by G.
Protein change: p.Phe104Leu; replaces phenylalanine 104 with leucine.
Molecular consequence: missense variant.
Genome position (GRCh38, 1-based): chr11:22,226,001, T>G. VCF-style: chr11-22226001-T-G. GRCh37 (hg19) VCF-style: chr11-22247547-T-G.
Other names: c.309T>G, p.Phe103Leu (NM_001142649.2); c.270T>G, p.Phe90Leu (NM_001410963.1); c.267T>G, p.Phe89Leu (NM_001410964.1); short protein forms F104L, F89L, F103L, F90L.
Identifiers: ClinVar variation 2937683 (VCV002937683.3), dbSNP rs2494141551, ClinGen allele CA379919041.

ClinVar aggregate classification (germline): Uncertain significance (1 of 4 stars; one submission).

Conditions:
Gnathodiaphyseal dysplasia (GDD). Also called: GNATHODIAPHYSEAL SCLEROSIS; OSTEOGENESIS IMPERFECTA WITH UNUSUAL SKELETAL LESIONS. Identifiers: Orphanet 53697, MedGen C1833736, MONDO:0008151, OMIM 166260.
Autosomal recessive limb-girdle muscular dystrophy type 2L (LGMDR12). Also called: Limb-girdle muscular dystrophy, type 2L; MUSCULAR DYSTROPHY, LIMB-GIRDLE, AUTOSOMAL RECESSIVE 12; Limb-Girdle Muscular Dystrophy R12 Anoctamin-5-Related (LGMD-R12). Identifiers: Orphanet 206549, MedGen C1969785, MONDO:0012652, OMIM 611307.

Submission:

Labcorp Genetics (formerly Invitae), Labcorp
Classification: Uncertain significance for Autosomal recessive limb-girdle muscular dystrophy type 2L; Gnathodiaphyseal dysplasia. Last evaluated: 2023-04-06. Review status: criteria provided, single submitter. Criteria: Invitae Variant Classification Sherloc (09022015). Collection method: clinical testing. Allele origin: germline.
Comment: This sequence change replaces phenylalanine, which is neutral and non-polar, with leucine, which is neutral and non-polar, at codon 104 of the ANO5 protein (p.Phe104Leu). This variant is not present in population databases (gnomAD no frequency). This variant has not been reported in the literature in individuals affected with ANO5-related conditions. Advanced modeling of protein sequence and biophysical properties (such as structural, functional, and spatial information, amino acid conservation, physicochemical variation, residue mobility, and thermodynamic stability) performed at Invitae indicates that this missense variant is expected to disrupt ANO5 protein function. In summary, the available evidence is currently insufficient to determine the role of this variant in disease. Therefore, it has been classified as a Variant of Uncertain Significance.